The following is an entry in ClinVar:

ClinVar aggregate classification (germline): Uncertain significance. Review status: criteria provided, multiple submitters, no conflicts (2 of 4 stars). 3 submissions from 3 submitters: Uncertain significance (3). Last evaluated 2023-01-26.

Conditions:
Inborn genetic diseases. Identifiers: MedGen C0950123, MeSH D030342.

Allele frequency attached by ClinVar (database versions not stated): TOPMed 0.00002.
gnomAD v4.1: 19 of 1,613,808 alleles (0.0012%); highest among the groups gnomAD compares: Non-Finnish European, 0.0014%; no homozygotes.

Submissions (3):

Ambry Genetics
Classification: Uncertain significance for Inborn genetic diseases. Last evaluated: 2023-01-26. Review status: criteria provided, single submitter. Criteria: Ambry Variant Classification Scheme 2023. Collection method: clinical testing. Allele origin: germline.

Labcorp Genetics (formerly Invitae), Labcorp
Classification: Uncertain significance. Last evaluated: 2022-10-13. Review status: criteria provided, single submitter. Criteria: Invitae Variant Classification Sherloc (09022015). Collection method: clinical testing. Allele origin: germline.
Comment: This sequence change replaces aspartic acid, which is acidic and polar, with glycine, which is neutral and non-polar, at codon 875 of the RP1 protein (p.Asp875Gly). This variant is present in population databases (no rsID available, gnomAD 0.0009%). This variant has not been reported in the literature in individuals affected with RP1-related conditions. Algorithms developed to predict the effect of missense changes on protein structure and function output the following: SIFT: "Tolerated"; PolyPhen-2: "Benign"; Align-GVGD: "Class C0". The glycine amino acid residue is found in multiple mammalian species, which suggests that this missense change does not adversely affect protein function. In summary, the available evidence is currently insufficient to determine the role of this variant in disease. Therefore, it has been classified as a Variant of Uncertain Significance.

Blueprint Genetics
Classification: Uncertain significance. Last evaluated: 2019-02-25. Review status: criteria provided, single submitter. Criteria: ACMG Guidelines, 2015. Collection method: clinical testing. Allele origin: germline.

NM_006269.2(RP1):c.2624A>G (p.Asp875Gly)

Gene: RP1 (RP1 axonemal microtubule associated; plus strand). Cytogenetic location: 8q12.1.
Variant type: single nucleotide variant.
Coding change: c.2624A>G on transcript NM_006269.2 (MANE Select); coding-DNA position 2624, A replaced by G.
Protein change: p.Asp875Gly; replaces aspartic acid 875 with glycine.
Molecular consequence: missense variant. On other transcripts: intron variant (1).
Genome position (GRCh38, 1-based): chr8:54,626,506, A>G. VCF-style: chr8-54626506-A-G. GRCh37 (hg19) VCF-style: chr8-55539066-A-G.
Other names: c.2624A>G (NM_006269.1); c.787+4218A>G (NM_001375654.1); short protein forms D875G.
Identifiers: ClinVar variation 1944787 (VCV001944787.8), dbSNP rs1473823325, ClinGen allele CA370994258.